The following is an entry in ClinVar:

ClinVar aggregate classification (germline): Likely pathogenic (1 of 4 stars; one submission).

gnomAD v4.1: 1 of 1,612,296 alleles (0.000062%); highest among the groups gnomAD compares: Non-Finnish European, 0.000085%; no homozygotes.

Submission:

Labcorp Genetics (formerly Invitae), Labcorp
Classification: Likely pathogenic. Last evaluated: 2025-08-14. Review status: criteria provided, single submitter. Criteria: Invitae Variant Classification Sherloc (09022015). Collection method: clinical testing. Allele origin: germline.
Comment: This sequence change affects a donor splice site in intron 10 of the COL9A1 gene. It is expected to disrupt RNA splicing. Variants that disrupt the donor or acceptor splice site typically lead to a loss of protein function (PMID: 16199547), and loss-of-function variants in COL9A1 are known to be pathogenic (PMID: 16909383, 21421862). This variant is present in population databases (no rsID available, gnomAD 0.0009%). This variant has not been reported in the literature in individuals affected with COL9A1-related conditions. Algorithms developed to predict the effect of sequence changes on RNA splicing suggest that this variant may disrupt the consensus splice site. In summary, the currently available evidence indicates that the variant is pathogenic, but additional data are needed to prove that conclusively. Therefore, this variant has been classified as Likely Pathogenic.

Literature cited by the submitters: PubMed 16199547; PubMed 16909383; PubMed 21421862.

NM_001851.6(COL9A1):c.975+1G>C

Gene: COL9A1 (collagen type IX alpha 1 chain; minus strand). Cytogenetic location: 6q13.
Variant type: single nucleotide variant.
Coding change: c.975+1G>C on transcript NM_001851.6 (MANE Select); the canonical splice donor site of the intron after coding-DNA position 975, G replaced by C.
Molecular consequence: splice donor variant.
Genome position (GRCh38, 1-based): chr6:70,280,811, C>G on the plus strand (G>C on the coding strand, the complement: COL9A1 is on the minus strand). VCF-style: chr6-70280811-C-G. GRCh37 (hg19) VCF-style: chr6-70990514-C-G.
Other names: c.246+1G>C (NM_001377290.1, NM_078485.4, NM_001377289.1); c.975+1G>C (NM_001377291.1).
Identifiers: ClinVar variation 4703327 (VCV004703327.1).